The following is an entry in ClinVar:

NM_001204.7(BMPR2):c.815G>A (p.Arg272His)

Gene: BMPR2 (bone morphogenetic protein receptor type 2; plus strand). Cytogenetic location: 2q33.2.
Variant type: single nucleotide variant.
Coding change: c.815G>A on transcript NM_001204.7 (MANE Select); coding-DNA position 815, G replaced by A.
Protein change: p.Arg272His; replaces arginine 272 with histidine.
Molecular consequence: missense variant.
Genome position (GRCh38, 1-based): chr2:202,519,015, G>A. VCF-style: chr2-202519015-G-A. GRCh37 (hg19) VCF-style: chr2-203383738-G-A.
Other names: short protein forms R272H.
Identifiers: ClinVar variation 2737723 (VCV002737723.4), dbSNP rs748889215, ClinGen allele CA2061212.

ClinVar aggregate classification (germline): Conflicting classifications of pathogenicity. Review status: criteria provided, conflicting classifications (1 of 4 stars). 2 submissions from 2 submitters: Uncertain significance (1); Likely benign (1). Last evaluated 2026-06-08.

Conditions:
Inborn genetic diseases. Identifiers: MedGen C0950123, MeSH D030342.
Primary pulmonary hypertension. Also called: Idiopathic pulmonary hypertension. Identifiers: MedGen C0152171.

Allele frequency attached by ClinVar (database versions not stated): gnomAD 0.00001; ExAC 0.00001.
gnomAD v4.1: 6 of 1,613,954 alleles (0.00037%); highest among the groups gnomAD compares: South Asian, 0.0022%; no homozygotes.

Submissions (2):

Ambry Genetics
Classification: Uncertain significance for Inborn genetic diseases. Last evaluated: 2026-06-08. Review status: criteria provided, single submitter. Criteria: Ambry Variant Classification Scheme 2023. Collection method: clinical testing. Allele origin: germline.
Comment: The p.R272H variant (also known as c.815G>A), located in coding exon 6 of the BMPR2 gene, results from a G to A substitution at nucleotide position 815. The arginine at codon 272 is replaced by histidine, an amino acid with highly similar properties. This amino acid position is conserved. In addition, the in silico prediction for this alteration is inconclusive. Based on the available evidence, the clinical significance of this variant remains unclear.

Labcorp Genetics (formerly Invitae), Labcorp
Classification: Likely benign for Primary pulmonary hypertension. Last evaluated: 2024-11-26. Review status: criteria provided, single submitter. Criteria: Invitae Variant Classification Sherloc (09022015). Collection method: clinical testing. Allele origin: germline.